The following is an entry in ClinVar:

NM_001039591.3(USP9X):c.4369A>G (p.Asn1457Asp)

Gene: USP9X (ubiquitin specific peptidase 9 X-linked; plus strand). Cytogenetic location: Xp11.4.
Variant type: single nucleotide variant.
Coding change: c.4369A>G on transcript NM_001039591.3 (MANE Select); coding-DNA position 4369, A replaced by G.
Protein change: p.Asn1457Asp; replaces asparagine 1457 with aspartic acid.
Molecular consequence: missense variant.
Genome position (GRCh38, 1-based): chrX:41,197,499, A>G. VCF-style: chrX-41197499-A-G. GRCh37 (hg19) VCF-style: chrX-41056752-A-G.
Other names: c.4369A>G, p.Asn1457Asp (NM_001039590.3); c.4384A>G, p.Asn1462Asp (NM_001410748.1, NM_001410749.1, NM_001437534.1); short protein forms N1457D, N1462D.
Identifiers: ClinVar variation 4077196 (VCV004077196.1).

ClinVar aggregate classification (germline): Uncertain significance (1 of 4 stars; one submission).

gnomAD v4.1: 21 of 1,207,594 alleles (0.0017%); highest among the groups gnomAD compares: Non-Finnish European, 0.0022%; no homozygotes.

Submission:

GeneDx
Classification: Uncertain significance. Last evaluated: 2025-02-26. Review status: criteria provided, single submitter. Criteria: GeneDx Variant Classification Process June 2021. Collection method: clinical testing. Allele origin: germline. Affected: yes.
Comment: Not observed at significant frequency in large population cohorts (gnomAD); In silico analysis indicates that this missense variant does not alter protein structure/function; Has not been previously published as pathogenic or benign to our knowledge